The following is an entry in ClinVar:

ClinVar aggregate classification (germline): Uncertain significance. Review status: criteria provided, multiple submitters, no conflicts (2 of 4 stars). 2 submissions from 2 submitters: Uncertain significance (2). Last evaluated 2021-09-22.

Conditions:
Inborn genetic diseases. Identifiers: MedGen C0950123, MeSH D030342.

Submissions (2):

Ambry Genetics
Classification: Uncertain significance for Inborn genetic diseases. Last evaluated: 2021-09-22. Review status: criteria provided, single submitter. Criteria: Ambry Variant Classification Scheme 2023. Collection method: clinical testing. Allele origin: germline.

Labcorp Genetics (formerly Invitae), Labcorp
Classification: Uncertain significance. Last evaluated: 2021-09-01. Review status: criteria provided, single submitter. Criteria: Invitae Variant Classification Sherloc (09022015). Collection method: clinical testing. Allele origin: germline.
Comment: This sequence change replaces histidine with proline at codon 811 of the ADGRV1 protein (p.His811Pro). The histidine residue is weakly conserved and there is a moderate physicochemical difference between histidine and proline. This variant is not present in population databases (ExAC no frequency). This variant has not been reported in the literature in individuals affected with ADGRV1-related conditions. Algorithms developed to predict the effect of missense changes on protein structure and function are either unavailable or do not agree on the potential impact of this missense change (SIFT: "Deleterious"; PolyPhen-2: "Possibly Damaging"; Align-GVGD: "Class C0"). In summary, the available evidence is currently insufficient to determine the role of this variant in disease. Therefore, it has been classified as a Variant of Uncertain Significance.

NM_032119.4(ADGRV1):c.2432A>C (p.His811Pro)

Gene: ADGRV1 (adhesion G protein-coupled receptor V1; plus strand). Cytogenetic location: 5q14.3.
Variant type: single nucleotide variant.
Coding change: c.2432A>C on transcript NM_032119.4 (MANE Select); coding-DNA position 2432, A replaced by C.
Protein change: p.His811Pro; replaces histidine 811 with proline.
Molecular consequence: missense variant. On other transcripts: non-coding transcript variant (1).
Genome position (GRCh38, 1-based): chr5:90,642,920, A>C. VCF-style: chr5-90642920-A-C. GRCh37 (hg19) VCF-style: chr5-89938737-A-C.
Other names: c.2432A>C (NM_032119.3); short protein forms H811P.
Identifiers: ClinVar variation 1465933 (VCV001465933.6), dbSNP rs2149429451, ClinGen allele CA360387932.